The following is an entry in ClinVar:

NM_000090.4(COL3A1):c.1095T>C (p.Pro365=)

Gene: COL3A1 (collagen type III alpha 1 chain; plus strand). Cytogenetic location: 2q32.2.
Variant type: single nucleotide variant.
Coding change: c.1095T>C on transcript NM_000090.4 (MANE Select); coding-DNA position 1095, T replaced by C.
Protein change: p.Pro365=; no amino-acid change (proline 365 retained).
Molecular consequence: synonymous variant.
Genome position (GRCh38, 1-based): chr2:188,993,405, T>C. VCF-style: chr2-188993405-T-C. GRCh37 (hg19) VCF-style: chr2-189858131-T-C.
Identifiers: ClinVar variation 2731391 (VCV002731391.4), dbSNP rs1688229865, ClinGen allele CA430309357.

ClinVar aggregate classification (germline): Likely benign. Review status: criteria provided, multiple submitters, no conflicts (2 of 4 stars). 2 submissions from 2 submitters: Likely benign (2). Last evaluated 2023-09-27.

Conditions:
Ehlers-Danlos syndrome, type 4 (EDSVASC). Also called: Ehlers-Danlos Syndrome Type IV; Ehlers-Danlos syndrome vascular type; Ehlers Danlos syndrome, ecchymotic type; Ehlers Danlos syndrome, arterial type; Ehlers Danlos syndrome, Sack-Barabas type. Identifiers: Orphanet 286, MedGen C0268338, MONDO:0017314, OMIM 130050.

Submissions (2):

Labcorp Genetics (formerly Invitae), Labcorp
Classification: Likely benign for Ehlers-Danlos syndrome, type 4. Last evaluated: 2023-09-27. Review status: criteria provided, single submitter. Criteria: Invitae Variant Classification Sherloc (09022015). Collection method: clinical testing. Allele origin: germline.

All of Us Research Program, National Institutes of Health
Classification: Likely benign for Ehlers-Danlos syndrome, type 4. Last evaluated: 2023-06-26. Review status: criteria provided, single submitter. Criteria: ACMG Guidelines, 2015. Collection method: clinical testing. Allele origin: germline. Inheritance: Autosomal dominant inheritance. Observed: 1 variant allele, 1 heterozygote.
Comment: This study involves interpretation of variants in research participants for the purpose of population health screening. Participant phenotype was not available at the time of variant classification. Additional details can be found in publication PMID: 35346344, PMCID: PMC8962531